The following is an entry in ClinVar:

NM_001330260.2(SCN8A):c.5911A>G (p.Arg1971Gly)

Gene: SCN8A (sodium voltage-gated channel alpha subunit 8; plus strand). Cytogenetic location: 12q13.13.
Variant type: single nucleotide variant.
Coding change: c.5911A>G on transcript NM_001330260.2 (MANE Select); coding-DNA position 5911, A replaced by G.
Protein change: p.Arg1971Gly; replaces arginine 1971 with glycine.
Molecular consequence: missense variant.
Genome position (GRCh38, 1-based): chr12:51,807,397, A>G. VCF-style: chr12-51807397-A-G. GRCh37 (hg19) VCF-style: chr12-52201181-A-G.
Other names: c.5788A>G, p.Arg1930Gly (NM_001177984.3, NM_001369788.1); c.5911A>G, p.Arg1971Gly (NM_014191.4); short protein forms R1930G, R1971G.
Identifiers: ClinVar variation 2444693 (VCV002444693.1), dbSNP rs1555231209, ClinGen allele CA384890509.

ClinVar aggregate classification (germline): Uncertain significance (1 of 4 stars; one submission).

Submission:

GeneDx
Classification: Uncertain significance. Last evaluated: 2022-09-14. Review status: criteria provided, single submitter. Criteria: GeneDx Variant Classification Process June 2021. Collection method: clinical testing. Allele origin: germline. Affected: yes.
Comment: Not observed at significant frequency in large population cohorts (gnomAD); Missense variants in this gene are often considered pathogenic (HGMD); In silico analysis supports that this missense variant does not alter protein structure/function; Has not been previously published as pathogenic or benign to our knowledge; This substitution is predicted to be within the C-terminal cytoplasmic domain.